The following is an entry in ClinVar:

NM_052947.4(ALPK2):c.4651G>T (p.Ala1551Ser)

Genes: ALPK2 (alpha kinase 2; minus strand), LOC126862764 (BRD4-independent group 4 enhancer GRCh37_chr18:56202574-56203773; plus strand). Cytogenetic location: 18q21.31.
Variant type: single nucleotide variant.
Coding change: c.4651G>T on transcript NM_052947.4 (MANE Select); coding-DNA position 4651, G replaced by T.
Protein change: p.Ala1551Ser; replaces alanine 1551 with serine.
Molecular consequence: missense variant.
Genome position (GRCh38, 1-based): chr18:58,535,536, C>A on the plus strand (G>T on the coding strand, the complement: ALPK2 is on the minus strand). VCF-style: chr18-58535536-C-A. GRCh37 (hg19) VCF-style: chr18-56202768-C-A.
Other names: short protein forms A1551S.
Identifiers: ClinVar variation 3060230 (VCV003060230.2), dbSNP rs3809983, ClinGen allele CA8976665.

ClinVar aggregate classification (germline): Benign (0 of 4 stars; one submission).

Conditions:
ALPK2-related disorder. Also called: ALPK2-related condition.

Allele frequency attached by ClinVar (database versions not stated): 1000 Genomes Project 30x 0.32808; 1000 Genomes Project 0.33147; TOPMed 0.39252; ESP Exome Variant Server 0.41027.
gnomAD v4.1: 760,486 of 1,613,950 alleles (47%); highest among the groups gnomAD compares: Non-Finnish European, 51%; 184,473 homozygotes.

Submission:

PreventionGenetics, part of Exact Sciences
Classification: Benign for ALPK2-related condition. Last evaluated: 2019-10-17. Review status: no assertion criteria provided. Collection method: clinical testing. Allele origin: germline.
Comment: This variant is classified as benign based on ACMG/AMP sequence variant interpretation guidelines (Richards et al. 2015 PMID: 25741868, with internal and published modifications).